The following is an entry in ClinVar:

NM_001082.5(CYP4F2):c.1029C>T (p.His343=)

Gene: CYP4F2 (cytochrome P450 family 4 subfamily F member 2; minus strand). Cytogenetic location: 19p13.12.
Variant type: single nucleotide variant.
Coding change: c.1029C>T on transcript NM_001082.5 (MANE Select); coding-DNA position 1029, C replaced by T.
Protein change: p.His343=; no amino-acid change (histidine 343 retained).
Molecular consequence: synonymous variant.
Genome position (GRCh38, 1-based): chr19:15,886,010, G>A on the plus strand (C>T on the coding strand, the complement: CYP4F2 is on the minus strand). VCF-style: chr19-15886010-G-A. GRCh37 (hg19) VCF-style: chr19-15996820-G-A.
Identifiers: ClinVar variation 3056285 (VCV003056285.2), dbSNP rs2074900, ClinGen allele CA9273797.

ClinVar aggregate classification (germline): Benign (0 of 4 stars; one submission).

Conditions:
CYP4F2-related disorder. Also called: CYP4F2-related condition.

Allele frequency attached by ClinVar (database versions not stated): 1000 Genomes Project 30x 0.23142; 1000 Genomes Project 0.23303; TOPMed 0.25924; gnomAD 0.26776; ESP Exome Variant Server 0.27249; ExAC 0.28641; gnomAD exomes 0.30631.
gnomAD v4.1: 487,542 of 1,613,564 alleles (30%); highest among the groups gnomAD compares: Non-Finnish European, 32%; 75,671 homozygotes.

Submission:

PreventionGenetics, part of Exact Sciences
Classification: Benign for CYP4F2-related condition. Last evaluated: 2019-10-18. Review status: no assertion criteria provided. Collection method: clinical testing. Allele origin: germline.
Comment: This variant is classified as benign based on ACMG/AMP sequence variant interpretation guidelines (Richards et al. 2015 PMID: 25741868, with internal and published modifications).